The following is an entry in ClinVar:

ClinVar aggregate classification (germline): Uncertain significance (1 of 4 stars; one submission).

Conditions:
Cardiovascular phenotype. Identifiers: MedGen CN230736.

Submission:

Ambry Genetics
Classification: Uncertain significance for Cardiovascular phenotype. Last evaluated: 2026-08-15. Review status: criteria provided, single submitter. Criteria: Ambry Variant Classification Scheme 2023. Collection method: clinical testing. Allele origin: germline.
Comment: The p.S8I variant (also known as c.23G>T), located in coding exon 1 of the CBL gene, results from a G to T substitution at nucleotide position 23. The serine at codon 8 is replaced by isoleucine, an amino acid with dissimilar properties. This amino acid position is conserved. In addition, the in silico prediction for this alteration is inconclusive. Based on the available evidence, the clinical significance of this variant remains unclear.

NM_005188.4(CBL):c.23G>T (p.Ser8Ile)

Genes: CBL (Cbl proto-oncogene; plus strand), LOC130006895 (ATAC-STARR-seq lymphoblastoid silent region 3975; plus strand). Cytogenetic location: 11q23.3.
Variant type: single nucleotide variant.
Coding change: c.23G>T on transcript NM_005188.4 (MANE Select); coding-DNA position 23, G replaced by T.
Protein change: p.Ser8Ile; replaces serine 8 with isoleucine.
Molecular consequence: missense variant.
Genome position (GRCh38, 1-based): chr11:119,206,440, G>T. VCF-style: chr11-119206440-G-T. GRCh37 (hg19) VCF-style: chr11-119077150-G-T.
Other names: short protein forms S8I.
Identifiers: ClinVar variation 5033766 (VCV005033766.1).